The following is an entry in ClinVar:

ClinVar aggregate classification (germline): Uncertain significance (1 of 4 stars; one submission).

Conditions:
XK-related disorder. Also called: XK-related condition.

Submission:

PreventionGenetics, part of Exact Sciences
Classification: Uncertain significance for XK-related condition. Last evaluated: 2025-03-10. Review status: criteria provided, single submitter. Criteria: ACMG Guidelines, 2015. Collection method: clinical testing. Allele origin: germline.
Comment: The XK c.452A>C variant is predicted to result in the amino acid substitution p.Gln151Pro. To our knowledge, this variant has not been reported in the literature or in a large population database (gnomAD), indicating this variant is rare. At this time, the clinical significance of this variant is uncertain due to the absence of conclusive functional and genetic evidence.

NM_021083.4(XK):c.452A>C (p.Gln151Pro)

Gene: XK (X-linked Kx blood group antigen, Kell and VPS13A binding protein; plus strand). Cytogenetic location: Xp21.1.
Variant type: single nucleotide variant.
Coding change: c.452A>C on transcript NM_021083.4 (MANE Select); coding-DNA position 452, A replaced by C.
Protein change: p.Gln151Pro; replaces glutamine 151 with proline.
Molecular consequence: missense variant.
Genome position (GRCh38, 1-based): chrX:37,694,492, A>C. VCF-style: chrX-37694492-A-C. GRCh37 (hg19) VCF-style: chrX-37553745-A-C.
Other names: short protein forms Q151P.
Identifiers: ClinVar variation 4983189 (VCV004983189.1).
Genomic context (GRCh38, chrX:37,694,492, plus strand): 5'-CCCACCGATCAGCGTTCAGCCGGGCGTCGGTGATCCAGGCTTTCTTGGGCTCAGCCCCCC[A>C]GCTGACCCTACAGCTGTACATAAGTGTCATGCAGCAGGACGTCACTGTTGGAAGAAGTAC-3'
Protein context (NP_066569.1, residues 141-161): VIQAFLGSAP[Gln151Pro]LTLQLYISVM